The following is an entry in ClinVar:

ClinVar aggregate classification (germline): Likely benign (1 of 4 stars; one submission).

Allele frequency attached by ClinVar (database versions not stated): 1000 Genomes Project 0.00020; 1000 Genomes Project 30x 0.00031; gnomAD 0.00061; ESP Exome Variant Server 0.00070.

Submission:

CeGaT Center for Human Genetics Tuebingen
Classification: Likely benign. Last evaluated: 2022-05-01. Review status: criteria provided, single submitter. Criteria: CeGaT Center For Human Genetics Tuebingen Variant Classification Criteria Version 2. Collection method: clinical testing. Allele origin: germline. Affected: yes. Observed: 1 variant allele.
Comment: KRTAP4-5: BP4, BP7

NM_033188.4(KRTAP4-5):c.426C>T (p.Arg142=)

Gene: KRTAP4-5 (keratin associated protein 4-5; minus strand). Cytogenetic location: 17q21.2.
Variant type: single nucleotide variant.
Coding change: c.426C>T on transcript NM_033188.4 (MANE Select); coding-DNA position 426, C replaced by T.
Protein change: p.Arg142=; no amino-acid change (arginine 142 retained).
Molecular consequence: synonymous variant.
Genome position (GRCh38, 1-based): chr17:41,149,342, G>A on the plus strand (C>T on the coding strand, the complement: KRTAP4-5 is on the minus strand). VCF-style: chr17-41149342-G-A. GRCh37 (hg19) VCF-style: chr17-39305594-G-A.
Identifiers: ClinVar variation 2647757 (VCV002647757.24), dbSNP rs145013988, ClinGen allele CA8553434.